The following is an entry in ClinVar:

NM_006005.3(WFS1):c.1674C>G (p.Arg558=)

Gene: WFS1 (wolframin ER transmembrane glycoprotein; plus strand). Cytogenetic location: 4p16.1.
Variant type: single nucleotide variant.
Coding change: c.1674C>G on transcript NM_006005.3 (MANE Select); coding-DNA position 1674, C replaced by G.
Protein change: p.Arg558=; no amino-acid change (arginine 558 retained).
Molecular consequence: synonymous variant.
Genome position (GRCh38, 1-based): chr4:6,301,469, C>G. VCF-style: chr4-6301469-C-G. GRCh37 (hg19) VCF-style: chr4-6303196-C-G.
Other names: c.1674C>G, p.Arg558= (NM_001145853.1).
Identifiers: ClinVar variation 666779 (VCV000666779.4), dbSNP rs61735402, ClinGen allele CA438368938.
Genomic context (GRCh38, chr4:6,301,469, plus strand): 5'-CATGTGGTGTGAGCTCTCCGTGGTCATCCTGCTGGAGTCCACCGGCCTGGGGCTGCTCCG[C>G]GCCTCCATCGGCTACTTCCTCTTCCTCTTTGCCCTCCCCATCCTGGTGGCCGGCCTGGCC-3'
Protein context (NP_005996.2, residues 548-568): LLESTGLGLL[Arg558=]ASIGYFLFLF

ClinVar aggregate classification (germline): Likely benign (1 of 4 stars; one submission).

Submission:

Laboratory for Molecular Medicine, Mass General Brigham Personalized Medicine
Classification: Likely benign. Last evaluated: 2012-04-30. Review status: criteria provided, single submitter. Criteria: LMM Criteria. Collection method: clinical testing. Allele origin: germline. Observed: 1 variant allele.
Comment: Arg558Arg in Exon 08 of WFS1: This variant is not expected to have clinical sign ificance because it does not alter an amino acid residue, is not located within the splice consensus sequence, and has been identified in 1.4% (1/74) of chromos omes from a population in the dbSNP database (ts/SNP; rs61735402).